The following is an entry in ClinVar:

ClinVar aggregate classification (germline): Benign/Likely benign. Review status: criteria provided, multiple submitters, no conflicts (2 of 4 stars). 7 submissions from 7 submitters: Benign (6); Likely benign (1). Last evaluated 2026-02-02.

Conditions:
Factor VII deficiency. Also called: F7 DEFICIENCY; HYPOPROCONVERTINEMIA; Factor 7 deficiency. Identifiers: MedGen C0015503, MeSH D005168, MONDO:0002244.

Allele frequency attached by ClinVar (database versions not stated): gnomAD exomes 0.12412 and 0.13901; gnomAD 0.15932 and 0.16054; ESP Exome Variant Server 0.16282; TOPMed 0.16680; 1000 Genomes Project 0.19089; 1000 Genomes Project 30x 0.19222; ExAC 0.20961.

Submissions (7):

Labcorp Genetics (formerly Invitae), Labcorp
Classification: Benign. Last evaluated: 2026-02-02. Review status: criteria provided, single submitter. Criteria: Invitae Variant Classification Sherloc (09022015). Collection method: clinical testing. Allele origin: germline.

Blueprint Genetics
Classification: Likely benign. Last evaluated: 2024-11-27. Review status: criteria provided, single submitter. Criteria: ACMG Guidelines, 2015. Collection method: clinical testing. Allele origin: germline.

GeneDx
Classification: Benign. Last evaluated: 2018-09-07. Review status: criteria provided, single submitter. Criteria: GeneDx Variant Classification Process June 2021. Collection method: clinical testing. Allele origin: germline. Affected: yes.
Comment: This variant is associated with the following publications: (PMID: 10691850)

Illumina Laboratory Services, Illumina
Classification: Benign for Congenital factor VII deficiency. Last evaluated: 2018-03-06. Review status: criteria provided, single submitter. Criteria: ICSL Variant Classification Criteria 13 December 2019. Collection method: clinical testing. Allele origin: germline.
Comment: This variant was observed in the ICSL laboratory as part of a predisposition screen in an ostensibly healthy population. It had not been previously curated by ICSL or reported in the Human Gene Mutation Database (HGMD: prior to June 1st, 2018), and was therefore a candidate for classification through an automated scoring system. Utilizing variant allele frequency, disease prevalence and penetrance estimates, and inheritance mode, an automated score was calculated to assess if this variant is too frequent to cause the disease. Based on the score and internal cut-off values, a variant classified as benign is not then subjected to further curation. The score for this variant resulted in a classification of benign for this disease.

Mayo Clinic Laboratories, Mayo Clinic
Classification: Benign. Last evaluated: 2016-05-26. Review status: criteria provided, single submitter. Criteria: ACMG Guidelines, 2015. Collection method: clinical testing. Allele origin: germline. Observed: 258 variant alleles.

Breakthrough Genomics
Classification: Benign. Review status: criteria provided, single submitter. Criteria: ACMG Guidelines, 2015. Collection method: not provided. Allele origin: germline. Inheritance: Autosomal recessive inheritance. Affected: yes.

PreventionGenetics, part of Exact Sciences
Classification: Benign. Review status: criteria provided, single submitter. Criteria: ACMG Guidelines, 2015. Collection method: clinical testing. Allele origin: germline.

NM_019616.4(F7):c.64+9G>A

Gene: F7 (coagulation factor VII; plus strand). Cytogenetic location: 13q34.
Variant type: single nucleotide variant.
Coding change: c.64+9G>A on transcript NM_019616.4 (MANE Select); 9 bases into the intron after coding-DNA position 64, G replaced by A.
Molecular consequence: intron variant.
Genome position (GRCh38, 1-based): chr13:113,105,914, G>A. VCF-style: chr13-113105914-G-A. GRCh37 (hg19) VCF-style: chr13-113760228-G-A.
Other names: p.?; c.64+9G>A (NM_000131.5, NM_001267554.2).
Identifiers: ClinVar variation 255219 (VCV000255219.11), dbSNP rs6039, ClinGen allele CA7059815.